The following is an entry in ClinVar:

ClinVar aggregate classification (germline): Likely pathogenic (1 of 4 stars; one submission).

Conditions:
Pigmentary pallidal degeneration (NBIA1). Also called: PKAN NEUROAXONAL DYSTROPHY, JUVENILE-ONSET; Neurodegeneration with brain iron accumulation 1; HARP SYNDROME; Neuroaxonal dystrophy, late infantile; Hallervorden-Spatz disease; Pantothenate Kinase-Associated Neurodegeneration. Identifiers: Orphanet 157850, MedGen C0018523, MONDO:0009319, OMIM 234200.

Submission:

Juno Genomics, Hangzhou Juno Genomics, Inc
Classification: Likely pathogenic for Pigmentary pallidal degeneration. Review status: criteria provided, single submitter. Criteria: ACMG Guidelines, 2015. Collection method: clinical testing. Allele origin: germline. Affected: yes.
Comment: Absent from controls (or at extremely low frequency if recessive) in Genome Aggregation Database, Exome Sequencing Project, 1000 Genomes Project, or Exome Aggregation Consortium.;Null variant in a gene where loss of function (LOF) is a known mechanism of disease.

NM_001386393.1(PANK2):c.298+2T>C

Genes: PANK2 (pantothenate kinase 2; plus strand), LOC130065345 (ATAC-STARR-seq lymphoblastoid silent region 12635; plus strand). Cytogenetic location: 20p13.
Variant type: single nucleotide variant.
Coding change: c.298+2T>C on transcript NM_001386393.1 (MANE Select); the canonical splice donor site of the intron after coding-DNA position 298, T replaced by C.
Molecular consequence: splice donor variant. On other transcripts: intron variant (1).
Genome position (GRCh38, 1-based): chr20:3,889,730, T>C. VCF-style: chr20-3889730-T-C. GRCh37 (hg19) VCF-style: chr20-3870377-T-C.
Other names: c.-246+826T>C (NM_024960.6); c.628+2T>C (NM_153638.4, NM_001324192.1); c.-414+2T>C (NM_001324191.2).
Identifiers: ClinVar variation 3899882 (VCV003899882.2).